The following is an entry in ClinVar:

NM_013275.6(ANKRD11):c.5935C>T (p.Leu1979Phe)

Gene: ANKRD11 (ankyrin repeat domain 11; minus strand). Cytogenetic location: 16q24.3.
Variant type: single nucleotide variant.
Coding change: c.5935C>T on transcript NM_013275.6 (MANE Select); coding-DNA position 5935, C replaced by T.
Protein change: p.Leu1979Phe; replaces leucine 1979 with phenylalanine.
Molecular consequence: missense variant.
Genome position (GRCh38, 1-based): chr16:89,280,607, G>A on the plus strand (C>T on the coding strand, the complement: ANKRD11 is on the minus strand). VCF-style: chr16-89280607-G-A. GRCh37 (hg19) VCF-style: chr16-89347015-G-A.
Other names: c.5935C>T, p.Leu1979Phe (NM_001256182.2, NM_001256183.2); short protein forms L1979F.
Identifiers: ClinVar variation 1750591 (VCV001750591.8), dbSNP rs774653782, ClinGen allele CA397152381.
Genomic context (GRCh38, chr16:89,280,607, plus strand): 5'-GGTCCGCGGGGCAGAAACGCTTTGGGGACTCGGGGAATCTCTGTGGAGACTTCAGCAGGA[G>A]GTCCGAGCCCACAGGCCAGCTCACAGGGTTTTCAGAGGTGCCCCCGATCAGGCTAGAGGC-3'
Protein context (NP_037407.4, residues 1969-1989): NPVSWPVGSD[Leu1979Phe]LLKSPQRFPE

ClinVar aggregate classification (germline): Uncertain significance. Review status: criteria provided, multiple submitters, no conflicts (2 of 4 stars). 2 submissions from 2 submitters: Uncertain significance (2). Last evaluated 2025-04-15.

Conditions:
Inborn genetic diseases. Identifiers: MedGen C0950123, MeSH D030342.
KBG syndrome (KBGS). Also called: ANKRD11-Related KBG Syndrome. Identifiers: Orphanet 2332, MedGen C0220687, MONDO:0007846, OMIM 148050.

Allele frequency attached by ClinVar (database versions not stated): gnomAD 0.00001.
gnomAD v4.1: 4 of 1,613,380 alleles (0.00025%); highest among the groups gnomAD compares: Non-Finnish European, 0.00034%; no homozygotes.

Submissions (2):

Ambry Genetics
Classification: Uncertain significance for Inborn genetic diseases. Last evaluated: 2025-04-15. Review status: criteria provided, single submitter. Criteria: Ambry Variant Classification Scheme 2023. Collection method: clinical testing. Allele origin: germline.

Labcorp Genetics (formerly Invitae), Labcorp
Classification: Uncertain significance for KBG syndrome. Last evaluated: 2022-02-01. Review status: criteria provided, single submitter. Criteria: Invitae Variant Classification Sherloc (09022015). Collection method: clinical testing. Allele origin: germline.
Comment: In summary, the available evidence is currently insufficient to determine the role of this variant in disease. Therefore, it has been classified as a Variant of Uncertain Significance. This sequence change replaces leucine, which is neutral and non-polar, with phenylalanine, which is neutral and non-polar, at codon 1979 of the ANKRD11 protein (p.Leu1979Phe). This variant is not present in population databases (gnomAD no frequency). This variant has not been reported in the literature in individuals affected with ANKRD11-related conditions. Advanced modeling of protein sequence and biophysical properties (such as structural, functional, and spatial information, amino acid conservation, physicochemical variation, residue mobility, and thermodynamic stability) performed at Invitae indicates that this missense variant is not expected to disrupt ANKRD11 protein function.